The following is an entry in ClinVar:

NM_000064.4(C3):c.1044C>T (p.Ile348=)

Gene: C3 (complement C3; minus strand). Cytogenetic location: 19p13.3.
Variant type: single nucleotide variant.
Coding change: c.1044C>T on transcript NM_000064.4 (MANE Select); coding-DNA position 1044, C replaced by T.
Protein change: p.Ile348=; no amino-acid change (isoleucine 348 retained).
Molecular consequence: synonymous variant.
Genome position (GRCh38, 1-based): chr19:6,712,583, G>A on the plus strand (C>T on the coding strand, the complement: C3 is on the minus strand). VCF-style: chr19-6712583-G-A. GRCh37 (hg19) VCF-style: chr19-6712594-G-A.
Identifiers: ClinVar variation 1905492 (VCV001905492.11), dbSNP rs138833296, ClinGen allele CA9129571.

ClinVar aggregate classification (germline): Likely benign. Review status: criteria provided, multiple submitters, no conflicts (2 of 4 stars). 2 submissions from 2 submitters: Likely benign (2). Last evaluated 2025-11-01.

Allele frequency attached by ClinVar (database versions not stated): gnomAD 0.00006; TOPMed 0.00006; ESP Exome Variant Server 0.00008.

Submissions (2):

CeGaT Center for Human Genetics Tuebingen
Classification: Likely benign. Last evaluated: 2025-11-01. Review status: criteria provided, single submitter. Criteria: CeGaT Center For Human Genetics Tuebingen Variant Classification Criteria Version 2. Collection method: clinical testing. Allele origin: germline. Affected: yes. Observed: 1 variant allele.
Comment: C3: BP4, BP7

Labcorp Genetics (formerly Invitae), Labcorp
Classification: Likely benign. Last evaluated: 2024-10-27. Review status: criteria provided, single submitter. Criteria: Invitae Variant Classification Sherloc (09022015). Collection method: clinical testing. Allele origin: germline.